The following is an entry in ClinVar:

ClinVar aggregate classification (germline): Pathogenic (1 of 4 stars; one submission).

Conditions:
Charcot-Marie-Tooth disease, type I (CMT1). Also called: Charcot-Marie-Tooth, Type 1; Charcot-Marie-Tooth disease type 1. Identifiers: Orphanet 65753, MedGen C0751036, MONDO:0019011.

Submission:

Labcorp Genetics (formerly Invitae), Labcorp
Classification: Pathogenic for Charcot-Marie-Tooth disease, type I. Last evaluated: 2015-12-21. Review status: criteria provided, single submitter. Criteria: Invitae Variant Classification Sherloc (09022015). Collection method: clinical testing. Allele origin: germline.
Comment: This sequence change deletes 2 nucleotides and inserts 1 nucleotide in exon 4 of the PMP22 mRNA (c.280_281delinsT), causing a frameshift at codon 94. This creates a premature translational stop signal in the last exon of the PMP22 mRNA (p.Gly94Serfs*17). While this is not anticipated to result in nonsense mediated decay, it is expected to result in a truncated PMP22 protein. This variant is not present in population databases (ExAC no frequency) and has not been reported in the literature. In addition, a different variant (NM_000304.3:c.281delG) giving rise to a very similar protein effect (p.Gly94Alafs*17) has been reported in several patients affected with CMT and Dejerine−Sottas syndrome (PMID: 9324088, 11545686, 11835375, 19067730, 26392352), which also suggests that the sequence change observed here is disease-causing. For these reasons, this variant has been classified as Pathogenic.

Literature cited by the submitters: PubMed 9324088; PubMed 11545686; PubMed 11835375; PubMed 19067730; PubMed 26392352.

NM_000304.4(PMP22):c.280_281delinsT (p.Gly94fs)

Gene: PMP22 (peripheral myelin protein 22; minus strand). Cytogenetic location: 17p12.
Variant type: Indel.
Coding change: c.280_281delinsT on transcript NM_000304.4 (MANE Select); coding-DNA positions 280 to 281, GG replaced by T.
Protein change: p.Gly94fs; shifts the reading frame from glycine 94.
Molecular consequence: frameshift variant. On other transcripts: non-coding transcript variant (2).
Genome position (GRCh38, 1-based): chr17:15,239,509-15,239,510, CC replaced by A on the plus strand (GG replaced by T on the coding strand, the reverse complement: PMP22 is on the minus strand). VCF-style: chr17-15239509-CC-A. GRCh37 (hg19) VCF-style: chr17-15142826-CC-A.
Other names: c.280_281delinsT, p.Gly94fs (NM_001281455.2, NM_001281456.2, NM_001330143.2 and 2 more transcripts); short protein forms G94fs.
Identifiers: ClinVar variation 220861 (VCV000220861.3), dbSNP rs864622678, ClinGen allele CA350485.
Genomic context (GRCh38, chr17:15,239,509, plus strand): 5'-GACTTTACCATCCACAACTTACCAGCAAGAATTTGGAAGATTCCAGTGATGTAAAACCTG[CC>A]CCCCTTGGTGAGGGTGAAGAGTTGGCAGAAGAACAGGAACAGAGACAGAATGCTGAAGAT-3'